The following is an entry in ClinVar:

NM_002516.4(NOVA2):c.958GCC[4] (p.Ala324del)

Gene: NOVA2 (NOVA alternative splicing regulator 2; minus strand). Cytogenetic location: 19q13.32.
Variant type: Microsatellite.
Coding change: c.958GCC[4] on transcript NM_002516.4 (MANE Select); four copies in a row of the 3-base unit GCC starting at c.958; the reference has five copies in a row; one copy, 3 bases deleted.
Protein change: p.Ala324del; deletes alanine 324.
Genome position (GRCh38, 1-based): chr19:45,940,370-45,940,372, GGC deleted on the plus strand (GCC on the coding strand, the reverse complement: NOVA2 is on the minus strand); deleting any 3 consecutive bases within chr19:45,940,370-45,940,384 gives the same sequence; the position shown is the placement nearest the transcript's 3' end. VCF-style (leftmost placement, unchanged base first): chr19-45940369-TGGC-T. GRCh37 (hg19) VCF-style: chr19-46443627-TGGC-T.
Other names: short protein forms A324del.
Identifiers: ClinVar variation 3060845 (VCV003060845.2), dbSNP rs771592016, ClinGen allele CA9525332.

ClinVar aggregate classification (germline): Likely benign (0 of 4 stars; one submission).

Conditions:
NOVA2-related disorder. Also called: NOVA2-related condition.

Submission:

PreventionGenetics, part of Exact Sciences
Classification: Likely benign for NOVA2-related condition. Last evaluated: 2022-09-23. Review status: no assertion criteria provided. Collection method: clinical testing. Allele origin: germline.
Comment: This variant is classified as likely benign based on ACMG/AMP sequence variant interpretation guidelines (Richards et al. 2015 PMID: 25741868, with internal and published modifications).